The following is an entry in ClinVar:

ClinVar aggregate classification (germline): Uncertain significance (1 of 4 stars; one submission).

Conditions:
Inborn genetic diseases. Identifiers: MedGen C0950123, MeSH D030342.

Allele frequency attached by ClinVar (database versions not stated): ExAC 0.00001; gnomAD exomes 0.00001 and 0.00002; gnomAD 0.00007 and 0.00008; 1000 Genomes Project 30x 0.00016; 1000 Genomes Project 0.00020; TOPMed 0.00023.
gnomAD v4.1: 21 of 1,613,456 alleles (0.0013%); highest among the groups gnomAD compares: Admixed American, 0.027%; no homozygotes.

Submission:

Ambry Genetics
Classification: Uncertain significance for Inborn genetic diseases. Last evaluated: 2016-08-23. Review status: criteria provided, single submitter. Criteria: Ambry Variant Classification Scheme 2023. Collection method: clinical testing. Allele origin: germline.
Comment: The c.*1G>C variant is located in the 3' untranslated region (3&rsquo; UTR) of the SNAP25 gene. This variant results from a G to C substitution one nucleotide after the last translated exon. This variant was not reported in population based cohorts in the following databases: Database of Single Nucleotide Polymorphisms (dbSNP), NHLBI Exome Sequencing Project (ESP), and 1000 Genomes Project. In the ESP, this variant was not observed in 6503 samples (13006 alleles) with coverage at this position. This nucleotide position is not well conserved in available vertebrate species. Since supporting evidence is limited at this time, the clinical significance of this variant remains unclear.

NM_130811.4(SNAP25):c.*1G>C

Gene: SNAP25 (synaptosome associated protein 25; plus strand). Cytogenetic location: 20p12.2.
Variant type: single nucleotide variant.
Coding change: c.*1G>C on transcript NM_130811.4 (MANE Select); 1 bases downstream of the stop codon, G replaced by C.
Molecular consequence: 3 prime UTR variant.
Genome position (GRCh38, 1-based): chr20:10,306,198, G>C. VCF-style: chr20-10306198-G-C. GRCh37 (hg19) VCF-style: chr20-10286846-G-C.
Other names: c.*1G>C (NM_001322902.2, NM_001322903.2, NM_001322904.2 and 7 more transcripts).
Identifiers: ClinVar variation 588075 (VCV000588075.5), dbSNP rs533404025, ClinGen allele CA9763412.